The following is an entry in ClinVar:

ClinVar aggregate classification (germline): Uncertain significance (1 of 4 stars; one submission).

Conditions:
Hyperkalemic periodic paralysis. Also called: Familial hyperkalemic periodic paralysis; Gamstorp disease. Identifiers: Orphanet 682, MedGen C0238357, MONDO:0008224, OMIM 170500, HP:0007215.

gnomAD v4.1: 1 of 1,613,830 alleles (0.000062%); highest among the groups gnomAD compares: East Asian, 0.0022%; no homozygotes.

Submission:

Labcorp Genetics (formerly Invitae), Labcorp
Classification: Uncertain significance for Hyperkalemic periodic paralysis. Last evaluated: 2025-02-13. Review status: criteria provided, single submitter. Criteria: Invitae Variant Classification Sherloc (09022015). Collection method: clinical testing. Allele origin: germline.
Comment: This sequence change replaces valine, which is neutral and non-polar, with alanine, which is neutral and non-polar, at codon 1150 of the SCN4A protein (p.Val1150Ala). This variant is not present in population databases (gnomAD no frequency). This variant has not been reported in the literature in individuals affected with SCN4A-related conditions. Invitae Evidence Modeling of protein sequence and biophysical properties (such as structural, functional, and spatial information, amino acid conservation, physicochemical variation, residue mobility, and thermodynamic stability) indicates that this missense variant is expected to disrupt SCN4A protein function with a positive predictive value of 95%. In summary, the available evidence is currently insufficient to determine the role of this variant in disease. Therefore, it has been classified as a Variant of Uncertain Significance.

NM_000334.4(SCN4A):c.3449T>C (p.Val1150Ala)

Genes: GH-LCR (growth hormone locus control region; plus strand), SCN4A (sodium voltage-gated channel alpha subunit 4; minus strand). Cytogenetic location: 17q23.3.
Variant type: single nucleotide variant.
Coding change: c.3449T>C on transcript NM_000334.4 (MANE Select); coding-DNA position 3449, T replaced by C.
Protein change: p.Val1150Ala; replaces valine 1150 with alanine.
Molecular consequence: missense variant.
Genome position (GRCh38, 1-based): chr17:63,945,631, A>G on the plus strand (T>C on the coding strand, the complement: SCN4A is on the minus strand). VCF-style: chr17-63945631-A-G. GRCh37 (hg19) VCF-style: chr17-62022991-A-G.
Other names: short protein forms V1150A.
Identifiers: ClinVar variation 4777324 (VCV004777324.1).
Genomic context (GRCh38, chr17:63,945,631, plus strand): 5'-AAGATGAGGCAGACAAGCAGCACATTCATGATGGAGGGGATGGCGCCTAGGAGGGCGTTC[A>G]CCACCACCTGGGGGCCAGGGGGTCCATTGCCAGTGCCTCTCCCAGCCTCTGAGAGAGGGC-3'
Protein context (NP_000325.4, residues 1140-1160): LSRFEGMRVV[Val1150Ala]NALLGAIPSI